The following is an entry in ClinVar:

NM_001148.6(ANK2):c.11286A>T (p.Glu3762Asp)

Gene: ANK2 (ankyrin 2; plus strand). Cytogenetic location: 4q26.
Variant type: single nucleotide variant.
Coding change: c.11286A>T on transcript NM_001148.6 (MANE Select); coding-DNA position 11286, A replaced by T.
Protein change: p.Glu3762Asp; replaces glutamic acid 3762 with aspartic acid.
Molecular consequence: missense variant.
Genome position (GRCh38, 1-based): chr4:113,367,819, A>T. VCF-style: chr4-113367819-A-T. GRCh37 (hg19) VCF-style: chr4-114288975-A-T.
Other names: c.5004A>T, p.Glu1668Asp (NM_001127493.3); c.5043A>T, p.Glu1681Asp (NM_001354225.2); c.4932A>T, p.Glu1644Asp (NM_001354228.2, NM_001354258.2); c.5010A>T, p.Glu1670Asp (NM_001354230.2); c.5073A>T, p.Glu1691Asp (NM_001354231.2, NM_001354242.2); c.5067A>T, p.Glu1689Asp (NM_001354232.2); c.1431A>T, p.Glu477Asp (NM_001386167.1); c.11427A>T, p.Glu3809Asp (NM_001386174.1); and 35 more; short protein forms E1516D, E1577D, E1590D, E1599D, E1604D, E1619D, E1623D, E1625D.
Identifiers: ClinVar variation 3681030 (VCV003681030.2).

ClinVar aggregate classification (germline): Uncertain significance (1 of 4 stars; one submission).

Conditions:
Long QT syndrome (LQTS). Identifiers: MedGen C0023976, MeSH D008133, MONDO:0002442. Disease mechanism: loss of function. Inheritance: Various modes of inheritance.

gnomAD v4.1: 3 of 1,614,178 alleles (0.00019%); highest among the groups gnomAD compares: Admixed American, 0.005%; no homozygotes.

Submission:

Labcorp Genetics (formerly Invitae), Labcorp
Classification: Uncertain significance for Long QT syndrome. Last evaluated: 2025-01-01. Review status: criteria provided, single submitter. Criteria: Invitae Variant Classification Sherloc (09022015). Collection method: clinical testing. Allele origin: germline.
Comment: This sequence change replaces glutamic acid, which is acidic and polar, with aspartic acid, which is acidic and polar, at codon 3762 of the ANK2 protein (p.Glu3762Asp). This variant is present in population databases (no rsID available, gnomAD 0.006%). This variant has not been reported in the literature in individuals affected with ANK2-related conditions. Invitae Evidence Modeling of protein sequence and biophysical properties (such as structural, functional, and spatial information, amino acid conservation, physicochemical variation, residue mobility, and thermodynamic stability) indicates that this missense variant is not expected to disrupt ANK2 protein function with a negative predictive value of 80%. In summary, the available evidence is currently insufficient to determine the role of this variant in disease. Therefore, it has been classified as a Variant of Uncertain Significance.